The following is an entry in ClinVar:

ClinVar aggregate classification (germline): Pathogenic (1 of 4 stars; one submission).

Conditions:
Early-infantile DEE. Also called: Early infantile epileptic encephalopathy; Early infantile epileptic encephalopathy with suppression bursts; Ohtahara syndrome. Identifiers: Orphanet 1934, MedGen C0393706, MONDO:0800491.

Submission:

Labcorp Genetics (formerly Invitae), Labcorp
Classification: Pathogenic for Early-infantile DEE. Last evaluated: 2023-02-21. Review status: criteria provided, single submitter. Criteria: Invitae Variant Classification Sherloc (09022015). Collection method: clinical testing. Allele origin: germline.
Comment: This sequence change creates a premature translational stop signal (p.Glu1435Glyfs*30) in the SCN8A gene. It is expected to result in an absent or disrupted protein product. Loss-of-function variants in SCN8A are known to be pathogenic (PMID: 19254928, 32651551). This variant is not present in population databases (gnomAD no frequency). For these reasons, this variant has been classified as Pathogenic. This variant has not been reported in the literature in individuals affected with SCN8A-related conditions.

Literature cited by the submitters: PubMed 19254928; PubMed 32651551.

NM_001330260.2(SCN8A):c.4304_4305del (p.Glu1435fs)

Gene: SCN8A (sodium voltage-gated channel alpha subunit 8; plus strand). Cytogenetic location: 12q13.13.
Variant type: Deletion.
Coding change: c.4304_4305del on transcript NM_001330260.2 (MANE Select); coding-DNA positions 4304 to 4305, 2 bases deleted (AG; older notation c.4304_4305delAG).
Protein change: p.Glu1435fs; shifts the reading frame from glutamic acid 1435.
Molecular consequence: frameshift variant.
Genome position (GRCh38, 1-based): chr12:51,789,303-51,789,304, AG deleted; deleting any 2 consecutive bases within chr12:51,789,302-51,789,304 gives the same sequence; the c. name uses the placement nearest the transcript's 3' end. VCF-style (leftmost placement, unchanged base first): chr12-51789301-TGA-T. GRCh37 (hg19) VCF-style: chr12-52183085-TGA-T.
Other names: c.4181_4182del, p.Glu1394fs (NM_001177984.3, NM_001369788.1); c.4304_4305del, p.Glu1435fs (NM_014191.4); short protein forms E1435fs, E1394fs.
Identifiers: ClinVar variation 2839546 (VCV002839546.3), dbSNP rs2540306816, ClinGen allele CA2739272036.